The following is an entry in ClinVar:

NM_007289.4(MME):c.1040A>G (p.Tyr347Cys)

Gene: MME (membrane metalloendopeptidase; plus strand). Cytogenetic location: 3q25.2.
Variant type: single nucleotide variant.
Coding change: c.1040A>G on transcript NM_007289.4 (MANE Select); coding-DNA position 1040, A replaced by G.
Protein change: p.Tyr347Cys; replaces tyrosine 347 with cysteine.
Molecular consequence: missense variant.
Genome position (GRCh38, 1-based): chr3:155,142,073, A>G. VCF-style: chr3-155142073-A-G. GRCh37 (hg19) VCF-style: chr3-154859862-A-G.
Other names: p.Tyr347Cys; c.1040A>G, p.Tyr347Cys (NM_000902.5, NM_001354642.2, NM_001354643.1 and 2 more transcripts); c.1040A>G (NM_000902.4, NM_007289.3); short protein forms Y347C.
Identifiers: ClinVar variation 809558 (VCV000809558.72), dbSNP rs138218277, ClinGen allele CA2675365.

ClinVar aggregate classification (germline): Uncertain significance. Review status: criteria provided, multiple submitters, no conflicts (2 of 4 stars). 16 submissions from 16 submitters: Uncertain significance (13). 3 of the submissions do not count toward it. Last evaluated 2026-09-01.

Conditions:
MME-related disorder. Also called: MME-related condition.
Charcot-Marie-Tooth disease axonal type 2T. Identifiers: Orphanet 443950, MedGen C4015635, OMIM 617017, MONDO:0014866.
Hereditary breast ovarian cancer syndrome. Also called: Hereditary breast and ovarian cancer syndrome; BRCA1- and BRCA2-Associated Hereditary Breast and Ovarian Cancer; Hereditary breast and ovarian cancer; Hereditary breast and ovarian cancer syndrome (HBOC); Hereditary breast and/or ovarian cancer syndrome; Breast and ovarian cancer. Identifiers: Orphanet 145, MedGen C0677776, MeSH D061325, MONDO:0003582. Disease mechanism: loss of function.
Spinocerebellar ataxia 43 (SCA43). Identifiers: Orphanet 497764, MedGen C4310763, MONDO:0014867, OMIM 617018.

Allele frequency attached by ClinVar (database versions not stated): 1000 Genomes Project 30x 0.00016; 1000 Genomes Project 0.00020; ExAC 0.00045; gnomAD exomes 0.00053 and 0.00105; ESP Exome Variant Server 0.00062; gnomAD 0.00062 and 0.00064; TOPMed 0.00066.

Submissions (16):

CeGaT Center for Human Genetics Tuebingen
Classification: Uncertain significance. Last evaluated: 2026-09-01. Review status: criteria provided, single submitter. Criteria: CeGaT Center For Human Genetics Tuebingen Variant Classification Criteria Version 2. Collection method: clinical testing. Allele origin: germline. Affected: yes. Observed: 7 variant alleles.
Comment: MME: PM2:Supporting, PM3:Supporting, PS3:Supporting

Women's Health and Genetics/Laboratory Corporation of America, LabCorp
Classification: Uncertain significance. Last evaluated: 2026-06-09. Review status: criteria provided, single submitter. Criteria: LabCorp Variant Classification Summary - May 2015. Collection method: clinical testing. Allele origin: germline.
Comment: Variant summary: MME c.1040A>G (p.Tyr347Cys) results in a non-conservative amino acid change located in the Peptidase M13, N-terminal domain of the encoded protein sequence. Algorithms developed to predict the effect of missense changes on protein structure and function all suggest that this variant is likely to be disruptive. The variant allele was found at a frequency of 0.00053 in 251266 control chromosomes, predominantly at a frequency of 0.0011 within the Non-Finnish European subpopulation in the gnomAD database, suggesting it is unlikely to be associated with a highly penetrant autosomal dominant condition. c.1040A>G has been observed in individuals affected with Charcot-Marie Disease Axonal Type 2T who had a positive family history, and also in individuals affected with late onset polyneuropathy, including an individual who also had a putative pathogenic variant in the HARS1 gene and whose daughter carried the variant and was unaffected, but was below the age of disease onset observed in the family (e.g. Auer-Grumbach_2016, Senderek_2020, Parisi_2023, Geroldi_2024). The c.1040A>G variant has also been reported in the homozgous state in two siblings who were both affected with late onset axonal neuropathy, however a third affected sibling was only heterozygous for the variant and both parents, who were obligate heterozygotes, were unaffected (Senderek_2020). The variant has also been reported in cohorts of individuals of similar ancestry without polyneuropathies (Auer-Grumbach_2016, Senderek_2020). These reports do not provide unequivocal conclusions about association of the variant with Charcot-Marie Disease Axonal Type 2T. At least one publication reports experimental evidence evaluating an impact on protein function in vitro and found that the variant exhibits approximately 60-65% activity of the wild type protein (Auer-Grumbach_2016). The following publications have been ascertained in the context of this evaluation (PMID: 33144514, 27588448, 36517691, 39251209). ClinVar contains an entry for this variant (Variation ID: 809558). Based on the evidence outlined above, the variant was classified as uncertain significance.

Dasa
Classification: Uncertain significance. Last evaluated: 2026-04-10. Review status: criteria provided, single submitter. Criteria: DASA Assertion Criteria. Collection method: clinical testing. Allele origin: germline.
Comment: NM_007289.4(MME):c.1040A>G (p.Tyr347Cys) is a missense variant that results in the substitution of tyrosine with cysteine. This variant has been recurrently observed in individuals with MME-related disorders (PMID: 27588448; PMID: 36517691). Functional evidence supports an impact on the gene or gene product (PMID: 27588448; PMID: 36517691). This classification is supported by population frequency inconsistent with a disease-causing role. The currently available literature and clinical evidence are not sufficient to establish a definitive association between this variant and the reported condition. Therefore, this variant is classified as a variant of uncertain significance.

PreventionGenetics, part of Exact Sciences
Classification: Uncertain significance for MME-related condition. Last evaluated: 2026-03-18. Review status: criteria provided, single submitter. Criteria: ACMG Guidelines, 2015. Collection method: clinical testing. Allele origin: germline.
Comment: The MME c.1040A>G variant is predicted to result in the amino acid substitution p.Tyr347Cys. This variant has been reported in the homozygous and heterozygous state in individuals with Charcot-Marie-Tooth disease, type 2, demyelinating polyneuropathy, or axonal neuropathy (Auer-Grumbach et al. 2016. PubMed ID: 27588448; Parisi et al. 2022. PubMed ID: 36517691; Senderek et al. 2020. PubMed ID: 33144514; Geroldi et al. 2024. PubMed ID: 39251209). Functional studies in HEK293 cells showed that the p.Tyr347Cys variant results in decreased neprilysin activity compared to wildtype (Auer-Grumbach et al. 2016. PubMed ID: 27588448). This variant is reported in 0.11% of alleles in individuals of European (non-Finnish) descent in gnomAD, which is likely too frequent to be a primary cause of autosomal dominant disease. However, incomplete or age-dependent penetrance for MME variants has been proposed (Senderek et al. 2020. PubMed ID: 33144514; Geroldi et al. 2024. PubMed ID: 39251209). At this time, the clinical significance of this variant is uncertain due to the absence of conclusive functional and genetic evidence.

Labcorp Genetics (formerly Invitae), Labcorp
Classification: Uncertain significance. Last evaluated: 2026-01-19. Review status: criteria provided, single submitter. Criteria: Invitae Variant Classification Sherloc (09022015). Collection method: clinical testing. Allele origin: germline.
Comment: This sequence change replaces tyrosine, which is neutral and polar, with cysteine, which is neutral and slightly polar, at codon 347 of the MME protein (p.Tyr347Cys). This variant is present in population databases (rs138218277, gnomAD 0.1%), and has an allele count higher than expected for a pathogenic variant. This missense change has been observed in individual(s) with Charcot-Marie-Tooth disease (PMID: 27588448, 36517691). ClinVar contains an entry for this variant (Variation ID: 809558). Invitae Evidence Modeling of protein sequence and biophysical properties (such as structural, functional, and spatial information, amino acid conservation, physicochemical variation, residue mobility, and thermodynamic stability) has been performed for this missense variant. However, the output from this modeling did not meet the statistical confidence thresholds required to predict the impact of this variant on MME protein function. Experimental studies have shown that this missense change affects MME function (PMID: 27588448). In summary, the available evidence is currently insufficient to determine the role of this variant in disease. Therefore, it has been classified as a Variant of Uncertain Significance.

GeneDx
Classification: Uncertain significance. Last evaluated: 2025-11-21. Review status: criteria provided, single submitter. Criteria: GeneDx Variant Classification Process June 2021. Collection method: clinical testing. Allele origin: germline. Affected: yes.
Comment: Identified in the heterozygous state in at least two unrelated individuals with a clinical diagnosis of Charcot-Marie-Tooth disease, and was additionally identified with an allele frequency of 0.4% in a cohort of 591 individuals with inherited polyneuropathies (PMID: 27588448); Reported previously in a patient with late onset mildly progressive demyelinating CMT who harbors another variant in the HARS1 gene. This patient's unaffected daughter is also heterozygous for the MME variant (PMID: 36517691); In silico analysis supports that this missense variant has a deleterious effect on protein structure/function; This variant is associated with the following publications: (PMID: 27588448, 34426522, Carpenter2024[computational], 36517691, 33144514, 39251209, LI2025[article])

Blueprint Genetics
Classification: Uncertain significance. Last evaluated: 2024-11-13. Review status: criteria provided, single submitter. Criteria: ACMG Guidelines, 2015. Collection method: clinical testing. Allele origin: germline.

Mayo Clinic Laboratories, Mayo Clinic
Classification: Uncertain significance. Last evaluated: 2023-12-08. Review status: criteria provided, single submitter. Criteria: ACMG Guidelines, 2015. Collection method: clinical testing. Allele origin: germline. Observed: 1 variant allele.
Comment: PS3_moderate

3billion
Classification: Uncertain significance for Charcot-Marie-Tooth disease axonal type 2T. Last evaluated: 2023-02-23. Review status: criteria provided, single submitter. Criteria: ACMG Guidelines, 2015. Collection method: clinical testing. Allele origin: unknown. Affected: yes.
Comment: The variant is observed at an extremely low frequency in the gnomAD v2.1.1 dataset (total allele frequency: 0.054%). Protein truncation variants are a common disease-causing mechanism. Functional studies provide moderate evidence of the variant having a damaging effect on the gene or gene product (PMID: 27588448). Same nucleotide change resulting in same amino acid change has been previously reported to be associated with MME related disorder (PMID: 27588448). However, the evidence of pathogenicity is insufficient at this time. Therefore, this variant is classified as VUS according to the recommendation of ACMG/AMP guideline.

Baylor Genetics
Classification: Uncertain significance for Charcot-Marie-Tooth disease axonal type 2T. Last evaluated: 2021-11-19. Review status: criteria provided, single submitter. Criteria: ACMG Guidelines, 2015. Collection method: clinical testing. Allele origin: unknown.

Molecular Oncology Research Center, Barretos Cancer Hospital
Classification: Uncertain significance for Hereditary breast ovarian cancer syndrome. Last evaluated: 2020-08-01. Review status: criteria provided, single submitter. Criteria: ACMG Guidelines, 2015. Collection method: research. Allele origin: germline. Affected: yes. Observed: 1 variant allele.

Centre for Mendelian Genomics, University Medical Centre Ljubljana
Classification: Uncertain significance for Spinocerebellar ataxia 43. Last evaluated: 2016-01-01. Review status: criteria provided, single submitter. Criteria: ACMG Guidelines, 2015. Collection method: clinical testing. Allele origin: unknown. Affected: yes.
Comment: This variant was classified as: Uncertain significance. The following ACMG criteria were applied in classifying this variant: PS4,PP3.

Breakthrough Genomics
Classification: Uncertain significance. Review status: criteria provided, single submitter. Criteria: ACMG Guidelines, 2015. Collection method: not provided. Allele origin: germline. Inheritance: Autosomal recessive inheritance. Affected: yes.

Clinical Genetics DNA and cytogenetics Diagnostics Lab, Erasmus MC, Erasmus Medical Center
Classification: Uncertain significance. Review status: no assertion criteria provided. Collection method: clinical testing. Allele origin: germline. Affected: yes. Study: VKGL Data-share Consensus. Not counted in ClinVar's aggregate classification.

Clinical Genetics, Academic Medical Center
Classification: Uncertain significance. Review status: no assertion criteria provided. Collection method: clinical testing. Allele origin: germline. Affected: yes. Study: VKGL Data-share Consensus. Not counted in ClinVar's aggregate classification.

Joint Genome Diagnostic Labs from Nijmegen and Maastricht, Radboudumc and MUMC+
Classification: Uncertain significance. Review status: no assertion criteria provided. Collection method: clinical testing. Allele origin: germline. Affected: yes. Study: VKGL Data-share Consensus. Not counted in ClinVar's aggregate classification.

Literature cited by the submitters: PubMed 33144514 (cited by Women's Health and Genetics/Laboratory Corporation of America, LabCorp and Mayo Clinic Laboratories, Mayo Clinic); PubMed 27588448 (cited by 5 submitters); PubMed 36517691 (cited by 4 submitters); PubMed 39251209 (cited by Women's Health and Genetics/Laboratory Corporation of America, LabCorp); PubMed 34426522 (cited by Mayo Clinic Laboratories, Mayo Clinic).